The following is an entry in ClinVar:

NM_001384732.1(CPLANE1):c.479G>A (p.Arg160Gln)

Gene: CPLANE1 (ciliogenesis and planar polarity effector complex subunit 1; minus strand). Cytogenetic location: 5p13.2.
Variant type: single nucleotide variant.
Coding change: c.479G>A on transcript NM_001384732.1 (MANE Select); coding-DNA position 479, G replaced by A.
Protein change: p.Arg160Gln; replaces arginine 160 with glutamine.
Molecular consequence: missense variant.
Genome position (GRCh38, 1-based): chr5:37,244,466, C>T on the plus strand (G>A on the coding strand, the complement: CPLANE1 is on the minus strand). VCF-style: chr5-37244466-C-T. GRCh37 (hg19) VCF-style: chr5-37244568-C-T.
Other names: c.479G>A, p.Arg160Gln (NM_023073.4); short protein forms R160Q.
Identifiers: ClinVar variation 1476143 (VCV001476143.8), dbSNP rs766961442, ClinGen allele CA3239182.

ClinVar aggregate classification (germline): Uncertain significance. Review status: criteria provided, multiple submitters, no conflicts (2 of 4 stars). 2 submissions from 2 submitters: Uncertain significance (2). Last evaluated 2024-10-29.

Allele frequency attached by ClinVar (database versions not stated): gnomAD 0.00001; gnomAD exomes 0.00002 and 0.00004; TOPMed 0.00002; ExAC 0.00009.
gnomAD v4.1: 27 of 1,551,262 alleles (0.0017%); highest among the groups gnomAD compares: South Asian, 0.013%; no homozygotes.

Submissions (2):

Labcorp Genetics (formerly Invitae), Labcorp
Classification: Uncertain significance. Last evaluated: 2024-10-29. Review status: criteria provided, single submitter. Criteria: Invitae Variant Classification Sherloc (09022015). Collection method: clinical testing. Allele origin: germline.
Comment: This sequence change replaces arginine, which is basic and polar, with glutamine, which is neutral and polar, at codon 160 of the CPLANE1 protein (p.Arg160Gln). This variant is present in population databases (rs766961442, gnomAD 0.02%). This variant has not been reported in the literature in individuals affected with CPLANE1-related conditions. ClinVar contains an entry for this variant (Variation ID: 1476143). Invitae Evidence Modeling of protein sequence and biophysical properties (such as structural, functional, and spatial information, amino acid conservation, physicochemical variation, residue mobility, and thermodynamic stability) indicates that this missense variant is not expected to disrupt CPLANE1 protein function with a negative predictive value of 95%. In summary, the available evidence is currently insufficient to determine the role of this variant in disease. Therefore, it has been classified as a Variant of Uncertain Significance.

Blueprint Genetics
Classification: Uncertain significance. Last evaluated: 2023-05-04. Review status: criteria provided, single submitter. Criteria: ACMG Guidelines, 2015. Collection method: clinical testing. Allele origin: germline.